The following is an entry in ClinVar:

NM_005546.4(ITK):c.194T>C (p.Ile65Thr)

Gene: ITK (IL2 inducible T cell kinase; plus strand). Cytogenetic location: 5q33.3.
Variant type: single nucleotide variant.
Coding change: c.194T>C on transcript NM_005546.4 (MANE Select); coding-DNA position 194, T replaced by C.
Protein change: p.Ile65Thr; replaces isoleucine 65 with threonine.
Molecular consequence: missense variant.
Genome position (GRCh38, 1-based): chr5:157,208,944, T>C. VCF-style: chr5-157208944-T-C. GRCh37 (hg19) VCF-style: chr5-156635955-T-C.
Other names: short protein forms I65T.
Identifiers: ClinVar variation 1047133 (VCV001047133.6), dbSNP rs1286793954, ClinGen allele CA361947733.

ClinVar aggregate classification (germline): Uncertain significance (1 of 4 stars; one submission).

Conditions:
Lymphoproliferative syndrome 1 (LPFS1). Identifiers: Orphanet 238505, Orphanet 538963, MedGen C3552634, MONDO:0013081, OMIM 613011.

Allele frequency attached by ClinVar (database versions not stated): gnomAD exomes below 0.00001 and 0.00001.

Submission:

Labcorp Genetics (formerly Invitae), Labcorp
Classification: Uncertain significance for Lymphoproliferative syndrome 1. Last evaluated: 2020-10-07. Review status: criteria provided, single submitter. Criteria: Invitae Variant Classification Sherloc (09022015). Collection method: clinical testing. Allele origin: germline.
Comment: This variant is not present in population databases (ExAC no frequency). In summary, the available evidence is currently insufficient to determine the role of this variant in disease. Therefore, it has been classified as a Variant of Uncertain Significance. Advanced modeling of protein sequence and biophysical properties (such as structural, functional, and spatial information, amino acid conservation, physicochemical variation, residue mobility, and thermodynamic stability) performed at Invitae indicates that this missense variant is not expected to disrupt ITK protein function. This variant has not been reported in the literature in individuals with ITK-related conditions. This sequence change replaces isoleucine with threonine at codon 65 of the ITK protein (p.Ile65Thr). The isoleucine residue is highly conserved and there is a moderate physicochemical difference between isoleucine and threonine.